The following is an entry in ClinVar:

NM_007373.4(SHOC2):c.355A>G (p.Ile119Val)

Gene: SHOC2 (SHOC2 leucine rich repeat scaffold protein; plus strand). Cytogenetic location: 10q25.2.
Variant type: single nucleotide variant.
Coding change: c.355A>G on transcript NM_007373.4 (MANE Select); coding-DNA position 355, A replaced by G.
Protein change: p.Ile119Val; replaces isoleucine 119 with valine.
Molecular consequence: missense variant.
Genome position (GRCh38, 1-based): chr10:110,964,713, A>G. VCF-style: chr10-110964713-A-G. GRCh37 (hg19) VCF-style: chr10-112724471-A-G.
Other names: p.Ile119Val; c.355A>G, p.Ile119Val (NM_001269039.3, NM_001324336.2, NM_001324337.2); short protein forms I119V.
Identifiers: ClinVar variation 181527 (VCV000181527.51), dbSNP rs147068827, ClinGen allele CA297175.
Genomic context (GRCh38, chr10:110,964,713, plus strand): 5'-GAAGAGAATTCAATGCGTTTGGACTTATCCAAGAGATCTATACACATATTGCCATCATCA[A>G]TCAAAGAGTTGACTCAATTAACAGAACTTTATTTATACAGTAACAAATTGCAGTCCCTCC-3'
Protein context (NP_031399.2, residues 109-129): KRSIHILPSS[Ile119Val]KELTQLTELY

ClinVar aggregate classification (germline): Conflicting classifications of pathogenicity. Review status: criteria provided, conflicting classifications (1 of 4 stars). 8 submissions from 8 submitters: Uncertain significance (6); Likely benign (2). Last evaluated 2026-01-04.

Conditions:
Noonan syndrome and Noonan-related syndrome. Identifiers: Orphanet 98733, MedGen C5681679, MONDO:0020297.
Cardiovascular phenotype. Identifiers: MedGen CN230736.
RASopathy. Also called: rasopathies; Noonan spectrum disorder. Identifiers: Orphanet 536391, MedGen C5555857, MONDO:0021060.
Noonan syndrome-like disorder with loose anagen hair 1 (NSLH1). Also called: MAZZANTI SYNDROME; TOSTI SYNDROME. Identifiers: Orphanet 2701, MedGen C4478716, MONDO:0054637, OMIM 607721.

Allele frequency attached by ClinVar (database versions not stated): gnomAD exomes 0.00006 and 0.00014; ExAC 0.00007; gnomAD 0.00008 and 0.00009; TOPMed 0.00011; ESP Exome Variant Server 0.00023.
gnomAD v4.1: 218 of 1,614,038 alleles (0.014%); highest among the groups gnomAD compares: Non-Finnish European, 0.017%; no homozygotes.

Submissions (8):

Labcorp Genetics (formerly Invitae), Labcorp
Classification: Uncertain significance for RASopathy. Last evaluated: 2026-01-04. Review status: criteria provided, single submitter. Criteria: Invitae Variant Classification Sherloc (09022015). Collection method: clinical testing. Allele origin: germline.
Comment: This sequence change replaces isoleucine, which is neutral and non-polar, with valine, which is neutral and non-polar, at codon 119 of the SHOC2 protein (p.Ile119Val). This variant is present in population databases (rs147068827, gnomAD 0.01%). This variant has not been reported in the literature in individuals affected with SHOC2-related conditions. ClinVar contains an entry for this variant (Variation ID: 181527). Invitae Evidence Modeling of protein sequence and biophysical properties (such as structural, functional, and spatial information, amino acid conservation, physicochemical variation, residue mobility, and thermodynamic stability) indicates that this missense variant is not expected to disrupt SHOC2 protein function with a negative predictive value of 80%. In summary, the available evidence is currently insufficient to determine the role of this variant in disease. Therefore, it has been classified as a Variant of Uncertain Significance.

Women's Health and Genetics/Laboratory Corporation of America, LabCorp
Classification: Likely benign. Last evaluated: 2025-07-28. Review status: criteria provided, single submitter. Criteria: LabCorp Variant Classification Summary - May 2015. Collection method: clinical testing. Allele origin: germline.
Comment: Variant summary: SHOC2 c.355A>G (p.Ile119Val) results in a conservative amino acid change in the encoded protein sequence. Algorithms developed to predict the effect of missense changes on protein structure and function are either unavailable or do not agree on the potential impact of this missense change. The variant allele was found at a frequency of 6.4e-05 in 251008 control chromosomes. The observed variant frequency is approximately 2.5 fold of the estimated maximal expected allele frequency for a pathogenic variant in SHOC2 causing Noonan Syndrome With Loose Anagen Hair phenotype (2.5e-05). To our knowledge, no occurrence of c.355A>G in individuals affected with Noonan Syndrome With Loose Anagen Hair and no experimental evidence demonstrating its impact on protein function have been reported. ClinVar contains an entry for this variant (Variation ID: 181527). Based on the evidence outlined above, the variant was classified as likely benign.

Mayo Clinic Laboratories, Mayo Clinic
Classification: Uncertain significance. Last evaluated: 2025-07-23. Review status: criteria provided, single submitter. Criteria: ACMG Guidelines, 2015. Collection method: clinical testing. Allele origin: germline. Observed: 2 variant alleles.
Comment: BP4

Ambry Genetics
Classification: Uncertain significance for Cardiovascular phenotype. Last evaluated: 2025-01-31. Review status: criteria provided, single submitter. Criteria: Ambry Variant Classification Scheme 2023. Collection method: clinical testing. Allele origin: germline.
Comment: The p.I119V variant (also known as c.355A>G), located in coding exon 1 of the SHOC2 gene, results from an A to G substitution at nucleotide position 355. The isoleucine at codon 119 is replaced by valine, an amino acid with highly similar properties. This amino acid position is conserved. In addition, this alteration is predicted to be tolerated by in silico analysis. Since supporting evidence is limited at this time, the clinical significance of this alteration remains unclear.

CeGaT Center for Human Genetics Tuebingen
Classification: Likely benign. Last evaluated: 2023-03-01. Review status: criteria provided, single submitter. Criteria: CeGaT Center For Human Genetics Tuebingen Variant Classification Criteria Version 2. Collection method: clinical testing. Allele origin: germline. Affected: yes. Observed: 2 variant alleles.
Comment: SHOC2: BP4, BS2

Clinical Genomics Laboratory, Stanford Medicine
Classification: Uncertain significance for Noonan syndrome-like disorder with loose anagen hair 1. Last evaluated: 2023-01-31. Review status: criteria provided, single submitter. Criteria: ACMG Guidelines, 2015. Collection method: clinical testing. Allele origin: germline. Observed: 1 variant allele, 1 heterozygote.
Comment: The p.Ile119Val variant in the SHOC2 gene has not been previously reported in association with disease. This variant has been identified in 16/128,792 European non-Finnish chromosomes (19/282,406 chromosomes overall) by the Genome Aggregation Database. This variant is present in ClinVar (VCV000181527.37). The isoleucine at position 119 is moderately evolutionarily conserved; however, valine is observed at this position in several species. Computational tools predict that the p.Ile119Val variant is neither deleterious nor benign; however, the accuracy of in silico algorithms is limited. These data were assessed using the ACMG/AMP variant interpretation guidelines. In summary, the significance of the p.Ile119Val variant is uncertain. Additional information is needed to resolve the significance of this variant. Neither pathogenic nor benign criteria could be applied to the variant, hence no ACMG codes were used, and the variant is a VUS [ACMG evidence codes used: None].

Fulgent Genetics
Classification: Uncertain significance for Noonan syndrome-like disorder with loose anagen hair 1. Last evaluated: 2018-10-31. Review status: criteria provided, single submitter. Criteria: ACMG Guidelines, 2015. Collection method: clinical testing. Allele origin: unknown.

Genome Diagnostics Laboratory, The Hospital for Sick Children
Classification: Uncertain significance for Noonan syndrome and Noonan-related syndrome. Last evaluated: 2016-12-12. Review status: criteria provided, single submitter. Criteria: ACMG Guidelines, 2015. Collection method: clinical testing. Allele origin: germline.